The following is an entry in ClinVar:

NM_000138.5(FBN1):c.6025G>T (p.Glu2009Ter)

Gene: FBN1 (fibrillin 1; minus strand). Cytogenetic location: 15q21.1.
Variant type: single nucleotide variant.
Coding change: c.6025G>T on transcript NM_000138.5 (MANE Select); coding-DNA position 6025, G replaced by T.
Protein change: p.Glu2009Ter; replaces glutamic acid 2009 with a stop codon.
Molecular consequence: nonsense.
Genome position (GRCh38, 1-based): chr15:48,444,553, C>A on the plus strand (G>T on the coding strand, the complement: FBN1 is on the minus strand). VCF-style: chr15-48444553-C-A. GRCh37 (hg19) VCF-style: chr15-48736750-C-A.
Other names: c.6025G>T, p.Glu2009Ter (NM_001406716.1); short protein forms E2009*.
Identifiers: ClinVar variation 4784459 (VCV004784459.2).
Genomic context (GRCh38, chr15:48,444,553, plus strand): 5'-AGTGGACACCCGACACTCCTCATTTGCTACAACTGATAGCTTTCCTACCTTCACACTTCT[C>A]ATTTTGAAGACTGTATCCAGGTGGGCAAATGCATCTGTAGGACCCATCCAAGTTTTGACA-3'

ClinVar aggregate classification (germline): Pathogenic/Likely pathogenic. Review status: criteria provided, multiple submitters, no conflicts (2 of 4 stars). 2 submissions from 2 submitters: Pathogenic (1); Likely pathogenic (1). Last evaluated 2025-03-17.

Conditions:
Marfan syndrome (MFS). Also called: FBN1-Related Marfan Syndrome; MARFAN SYNDROME, TYPE I; Marfan syndrome type 1; Marfan's syndrome; Marfan syndrome, classic. Identifiers: Orphanet 284963, Orphanet 558, MedGen C0024796, MONDO:0007947, OMIM 154700.
Familial thoracic aortic aneurysm and aortic dissection (TAAD). Also called: Thoracic aortic aneurysms and dissections. Identifiers: Orphanet 91387, MedGen C4707243, MONDO:0019625.

Submissions (2):

Labcorp Genetics (formerly Invitae), Labcorp
Classification: Pathogenic for Marfan syndrome; Familial thoracic aortic aneurysm and aortic dissection. Last evaluated: 2025-03-17. Review status: criteria provided, single submitter. Criteria: Invitae Variant Classification Sherloc (09022015). Collection method: clinical testing. Allele origin: germline.
Comment: This sequence change creates a premature translational stop signal (p.Glu2009*) in the FBN1 gene. It is expected to result in an absent or disrupted protein product. Loss-of-function variants in FBN1 are known to be pathogenic (PMID: 17657824, 19293843). This variant is not present in population databases (gnomAD no frequency). This variant has not been reported in the literature in individuals affected with FBN1-related conditions. For these reasons, this variant has been classified as Pathogenic.

Juno Genomics, Hangzhou Juno Genomics, Inc
Classification: Likely pathogenic for Marfan syndrome. Review status: criteria provided, single submitter. Criteria: ACMG Guidelines, 2015. Collection method: clinical testing. Allele origin: germline. Affected: yes.
Comment: Absent from controls (or at extremely low frequency if recessive) in Genome Aggregation Database, Exome Sequencing Project, 1000 Genomes Project, or Exome Aggregation Consortium.;Null variant in a gene where loss of function (LOF) is a known mechanism of disease.

Literature cited by the submitters: PubMed 17657824 (cited by Labcorp Genetics (formerly Invitae), Labcorp); PubMed 19293843 (cited by Labcorp Genetics (formerly Invitae), Labcorp).